The following is an entry in ClinVar:

NM_002435.3(MPI):c.612_615del (p.Ser204fs)

Gene: MPI (mannose phosphate isomerase; plus strand). Cytogenetic location: 15q24.1.
Variant type: Deletion.
Coding change: c.612_615del on transcript NM_002435.3 (MANE Select); coding-DNA positions 612 to 615, 4 bases deleted (TGAG; older notation c.612_615delTGAG).
Protein change: p.Ser204fs; shifts the reading frame from serine 204.
Molecular consequence: frameshift variant. On other transcripts: intron variant (1).
Genome position (GRCh38, 1-based): chr15:74,893,262-74,893,265, TGAG deleted; deleting any 4 consecutive bases within chr15:74,893,259-74,893,265 gives the same sequence; the c. name uses the placement nearest the transcript's 3' end. VCF-style (leftmost placement, unchanged base first): chr15-74893258-AGAGT-A. GRCh37 (hg19) VCF-style: chr15-75185599-AGAGT-A.
Other names: c.612_615del, p.Ser204fs (NM_001289155.2); c.462_465del, p.Ser154fs (NM_001289156.2); c.552_555del, p.Ser184fs (NM_001330372.2); c.487+460_487+463del (NM_001289157.2); short protein forms S154fs, S184fs, S204fs.
Identifiers: ClinVar variation 2743321 (VCV002743321.3), dbSNP rs2505817175, ClinGen allele CA2697549218.

ClinVar aggregate classification (germline): Pathogenic (1 of 4 stars; one submission).

Conditions:
MPI-congenital disorder of glycosylation. Also called: MPI DEFICIENCY; MANNOSEPHOSPHATE ISOMERASE DEFICIENCY; PROTEIN-LOSING ENTEROPATHY-HEPATIC FIBROSIS SYNDROME; MPI-CDG; CONGENITAL DISORDER OF GLYCOSYLATION, TYPE Ib; CDG Ib. Identifiers: Orphanet 79319, MedGen C1865145, MONDO:0011257, OMIM 602579.

Submission:

Labcorp Genetics (formerly Invitae), Labcorp
Classification: Pathogenic for MPI-congenital disorder of glycosylation. Last evaluated: 2023-07-14. Review status: criteria provided, single submitter. Criteria: Invitae Variant Classification Sherloc (09022015). Collection method: clinical testing. Allele origin: germline.
Comment: Algorithms developed to predict the effect of sequence changes on RNA splicing suggest that this variant may create or strengthen a splice site. This variant has not been reported in the literature in individuals affected with MPI-related conditions. This variant is not present in population databases (gnomAD no frequency). This sequence change creates a premature translational stop signal (p.Ser204Argfs*13) in the MPI gene. It is expected to result in an absent or disrupted protein product. Loss-of-function variants in MPI are known to be pathogenic (PMID: 19862844). For these reasons, this variant has been classified as Pathogenic.

Literature cited by the submitters: PubMed 19862844.